The following is an entry in ClinVar:

ClinVar aggregate classification (germline): Conflicting classifications of pathogenicity. Review status: criteria provided, conflicting classifications (1 of 4 stars). 3 submissions from 3 submitters: Uncertain significance (1); Likely benign (2). Last evaluated 2025-08-28.

Conditions:
Hereditary cancer-predisposing syndrome. Also called: Neoplastic Syndromes, Hereditary; Tumor predisposition; Hereditary Cancer Syndrome; Hereditary neoplastic syndrome. Identifiers: Orphanet 140162, MedGen C0027672, MeSH D009386, MONDO:0015356.
Familial adenomatous polyposis 2. Also called: Adenomas, multiple colorectal; COLORECTAL ADENOMATOUS POLYPOSIS, AUTOSOMAL RECESSIVE; ADENOMAS, MULTIPLE COLORECTAL, AUTOSOMAL RECESSIVE; MYH-associated polyposis; MUTYH Polyposis; FAP type 2. Identifiers: Orphanet 220460, Orphanet 247798, MedGen C3272841, MONDO:0012041, OMIM 608456.

Submissions (3):

Labcorp Genetics (formerly Invitae), Labcorp
Classification: Likely benign for Familial adenomatous polyposis 2. Last evaluated: 2025-08-28. Review status: criteria provided, single submitter. Criteria: Invitae Variant Classification Sherloc (09022015). Collection method: clinical testing. Allele origin: germline.

Color Diagnostics, LLC DBA Color Health
Classification: Likely benign for Hereditary cancer-predisposing syndrome. Last evaluated: 2025-06-23. Review status: criteria provided, single submitter. Criteria: ACMG Guidelines, 2015. Collection method: clinical testing. Allele origin: germline.

Ambry Genetics
Classification: Uncertain significance for Hereditary cancer-predisposing syndrome. Last evaluated: 2023-11-15. Review status: criteria provided, single submitter. Criteria: Ambry Variant Classification Scheme 2023. Collection method: clinical testing. Allele origin: germline.
Comment: The c.1187-5C>A intronic variant results from a C to A substitution 5 nucleotides upstream from coding exon 13 in the MUTYH gene. This nucleotide position is not well conserved in available vertebrate species. In silico splice site analysis predicts that this alteration will not have any significant effect on splicing; however, direct evidence is insufficient at this time (Ambry internal data). Since supporting evidence is limited at this time, the clinical significance of this alteration remains unclear.

NM_001048174.2(MUTYH):c.1103-5C>A

Gene: MUTYH (mutY DNA glycosylase; minus strand). Cytogenetic location: 1p34.1.
Variant type: single nucleotide variant.
Coding change: c.1103-5C>A on transcript NM_001048174.2 (MANE Select); 5 bases into the intron before coding-DNA position 1103, C replaced by A.
Molecular consequence: intron variant.
Genome position (GRCh38, 1-based): chr1:45,331,561, G>T on the plus strand (C>A on the coding strand, the complement: MUTYH is on the minus strand). VCF-style: chr1-45331561-G-T. GRCh37 (hg19) VCF-style: chr1-45797233-G-T.
Other names: c.758-5C>A (NM_001350651.2, NM_001350650.2); c.827-5C>A (NM_001293192.2, NM_001293196.2); c.1103-5C>A (NM_001048171.2, NM_001048173.2, NM_001293195.2); c.1148-5C>A (NM_001293190.2); c.1178-5C>A (NM_012222.3); c.1187-5C>A (NM_001128425.2); c.1106-5C>A (NM_001048172.2); c.1136-5C>A (NM_001293191.2).
Identifiers: ClinVar variation 185504 (VCV000185504.11), dbSNP rs786202228, ClinGen allele CA012257.
Genomic context (GRCh38, chr1:45,331,561, plus strand): 5'-CTGCTCTGAGGGCTCCCAGGTCACGGACGGGAACTCCCACAGTCCTGCCAGCAGACCTGA[G>T]AGGGAGGGCAGCCAGGCAGGGGTCAGGCCTCAGCTGCCGATTCCCTCCATTCTCTCTTGT-3'